The following is an entry in ClinVar:

ClinVar aggregate classification (germline): Uncertain significance (1 of 4 stars; one submission).

Conditions:
Nephronophthisis 15 (NPHP15). Identifiers: Orphanet 3156, MedGen C3541853, MONDO:0013917, OMIM 614845.

gnomAD v4.1: 3 of 1,603,190 alleles (0.00019%); highest among the groups gnomAD compares: East Asian, 0.0045%; no homozygotes.

Submission:

Labcorp Genetics (formerly Invitae), Labcorp
Classification: Uncertain significance for Nephronophthisis 15. Last evaluated: 2022-07-12. Review status: criteria provided, single submitter. Criteria: Invitae Variant Classification Sherloc (09022015). Collection method: clinical testing. Allele origin: germline.
Comment: In summary, the available evidence is currently insufficient to determine the role of this variant in disease. Therefore, it has been classified as a Variant of Uncertain Significance. Algorithms developed to predict the effect of missense changes on protein structure and function (SIFT, PolyPhen-2, Align-GVGD) all suggest that this variant is likely to be tolerated. This variant has not been reported in the literature in individuals affected with CEP164-related conditions. This variant is not present in population databases (gnomAD no frequency). This sequence change replaces aspartic acid, which is acidic and polar, with tyrosine, which is neutral and polar, at codon 1251 of the CEP164 protein (p.Asp1251Tyr).

NM_014956.5(CEP164):c.3751G>T (p.Asp1251Tyr)

Gene: CEP164 (centrosomal protein 164; plus strand). Cytogenetic location: 11q23.3.
Variant type: single nucleotide variant.
Coding change: c.3751G>T on transcript NM_014956.5 (MANE Select); coding-DNA position 3751, G replaced by T.
Protein change: p.Asp1251Tyr; replaces aspartic acid 1251 with tyrosine.
Molecular consequence: missense variant.
Genome position (GRCh38, 1-based): chr11:117,409,620, G>T. VCF-style: chr11-117409620-G-T. GRCh37 (hg19) VCF-style: chr11-117280336-G-T.
Other names: c.3736G>T, p.Asp1246Tyr (NM_001271933.2); short protein forms D1251Y, D1246Y.
Identifiers: ClinVar variation 2096070 (VCV002096070.4), dbSNP rs1270766012, ClinGen allele CA382743224.